The following is an entry in ClinVar:

NM_032043.3(BRIP1):c.2225A>C (p.Tyr742Ser)

Gene: BRIP1 (BRCA1 interacting DNA helicase 1; minus strand). Cytogenetic location: 17q23.2.
Variant type: single nucleotide variant.
Coding change: c.2225A>C on transcript NM_032043.3 (MANE Select); coding-DNA position 2225, A replaced by C.
Protein change: p.Tyr742Ser; replaces tyrosine 742 with serine.
Molecular consequence: missense variant.
Genome position (GRCh38, 1-based): chr17:61,744,464, T>G on the plus strand (A>C on the coding strand, the complement: BRIP1 is on the minus strand). VCF-style: chr17-61744464-T-G. GRCh37 (hg19) VCF-style: chr17-59821825-T-G.
Other names: short protein forms Y742S.
Identifiers: ClinVar variation 483166 (VCV000483166.20), dbSNP rs1555591351, ClinGen allele CA400482924.

ClinVar aggregate classification (germline): Conflicting classifications of pathogenicity. Review status: criteria provided, conflicting classifications (1 of 4 stars). 5 submissions from 5 submitters: Likely pathogenic (1); Uncertain significance (4). Last evaluated 2025-07-14.

Conditions:
Hereditary cancer-predisposing syndrome. Also called: Hereditary neoplastic syndrome; Neoplastic Syndromes, Hereditary; Tumor predisposition; Hereditary Cancer Syndrome. Identifiers: Orphanet 140162, MedGen C0027672, MeSH D009386, MONDO:0015356.
Fanconi anemia complementation group J. Also called: BRIP1-Related Fanconi Anemia. Identifiers: Orphanet 84, MedGen C1836860, MONDO:0012187, OMIM 609054.
Familial cancer of breast. Also called: BREAST CANCER, FAMILIAL; Hereditary breast cancer; hereditary breast carcinoma. Identifiers: Orphanet 227535, MedGen C0346153, MONDO:0016419, OMIM 114480. Disease mechanism: loss of function.
Breast-ovarian cancer, familial, susceptibility to, 2 (BROVCA2). Also called: BRCA2 Hereditary Breast and Ovarian Cancer. Identifiers: Orphanet 145, MedGen C2675520, MONDO:0012933, OMIM 612555. Disease mechanism: loss of function.

Allele frequency attached by ClinVar (database versions not stated): gnomAD exomes below 0.00001.
gnomAD v4.1: 3 of 1,614,018 alleles (0.00019%); highest among the groups gnomAD compares: Non-Finnish European, 0.00025%; no homozygotes.

Submissions (5):

Dipartimento Di Medicina Di Precisione, Università Degli Studi Della Campania Luigi Vanvitelli
Classification: Likely pathogenic for Breast-ovarian cancer, familial, susceptibility to, 2. Last evaluated: 2025-07-14. Review status: criteria provided, single submitter. Criteria: ACMG Guidelines, 2015. Collection method: clinical testing. Allele origin: germline. Inheritance: Autosomal dominant inheritance. Affected: yes. Observed: 1 heterozygote.
Comment: The missense variant **c.2225A>C (p.Tyr742Ser)** in **BRIP1**, located in exon 15, affects a highly conserved residue. Initially classified as a VUS, in silico predictions (REVEL, CADD, PolyPhen-2) support a deleterious effect. Based on ACMG/AMP criteria (PM2, PP3, PP1_ supporting), the variant has been reclassified as ''likely pathogenic''.

Labcorp Genetics (formerly Invitae), Labcorp
Classification: Uncertain significance for Familial cancer of breast; Fanconi anemia complementation group J. Last evaluated: 2024-12-12. Review status: criteria provided, single submitter. Criteria: Invitae Variant Classification Sherloc (09022015). Collection method: clinical testing. Allele origin: germline.
Comment: This sequence change replaces tyrosine, which is neutral and polar, with serine, which is neutral and polar, at codon 742 of the BRIP1 protein (p.Tyr742Ser). This variant is not present in population databases (gnomAD no frequency). This variant has not been reported in the literature in individuals affected with BRIP1-related conditions. ClinVar contains an entry for this variant (Variation ID: 483166). Invitae Evidence Modeling of protein sequence and biophysical properties (such as structural, functional, and spatial information, amino acid conservation, physicochemical variation, residue mobility, and thermodynamic stability) indicates that this missense variant is expected to disrupt BRIP1 protein function with a positive predictive value of 95%. In summary, the available evidence is currently insufficient to determine the role of this variant in disease. Therefore, it has been classified as a Variant of Uncertain Significance.

Ambry Genetics
Classification: Uncertain significance for Hereditary cancer-predisposing syndrome. Last evaluated: 2024-01-28. Review status: criteria provided, single submitter. Criteria: Ambry Variant Classification Scheme 2023. Collection method: clinical testing. Allele origin: germline.
Comment: The p.Y742S variant (also known as c.2225A>C), located in coding exon 14 of the BRIP1 gene, results from an A to C substitution at nucleotide position 2225. The tyrosine at codon 742 is replaced by serine, an amino acid with dissimilar properties. This amino acid position is highly conserved in available vertebrate species. In addition, this alteration is predicted to be deleterious by in silico analysis. Since supporting evidence is limited at this time, the clinical significance of this alteration remains unclear.

Color Diagnostics, LLC DBA Color Health
Classification: Uncertain significance for Hereditary cancer-predisposing syndrome. Last evaluated: 2023-12-05. Review status: criteria provided, single submitter. Criteria: ACMG Guidelines, 2015. Collection method: clinical testing. Allele origin: germline.
Comment: This missense variant replaces tyrosine with serine at codon 742 of the BRIP1 protein. Computational prediction suggests that this variant may have deleterious impact on protein structure and function (internally defined REVEL score threshold >= 0.7, PMID: 27666373). To our knowledge, functional studies have not been reported for this variant. This variant has not been reported in individuals affected with BRIP1-related disorders in the literature. This variant has not been identified in the general population by the Genome Aggregation Database (gnomAD). The available evidence is insufficient to determine the role of this variant in disease conclusively. Therefore, this variant is classified as a Variant of Uncertain Significance.

Quest Diagnostics Nichols Institute San Juan Capistrano
Classification: Uncertain significance. Last evaluated: 2018-02-12. Review status: criteria provided, single submitter. Criteria: Quest Diagnostics criteria. Collection method: clinical testing. Allele origin: germline.

Literature cited by the submitters: DOI 10.3390/ijms26135928 (cited by Dipartimento Di Medicina Di Precisione, Università Degli Studi Della Campania Luigi Vanvitelli).